The following is an entry in ClinVar:

ClinVar aggregate classification (germline): Uncertain significance (1 of 4 stars; one submission).

Conditions:
Adams-Oliver syndrome 5 (AOS5). Identifiers: Orphanet 974, MedGen C4014970, MONDO:0014459, OMIM 616028.

gnomAD v4.1: 1 of 1,613,028 alleles (0.000062%); highest among the groups gnomAD compares: Non-Finnish European, 0.000085%; no homozygotes.

Submission:

Labcorp Genetics (formerly Invitae), Labcorp
Classification: Uncertain significance for Adams-Oliver syndrome 5. Last evaluated: 2023-05-28. Review status: criteria provided, single submitter. Criteria: Invitae Variant Classification Sherloc (09022015). Collection method: clinical testing. Allele origin: germline.
Comment: This sequence change replaces arginine, which is basic and polar, with leucine, which is neutral and non-polar, at codon 1824 of the NOTCH1 protein (p.Arg1824Leu). This variant is not present in population databases (gnomAD no frequency). This variant has not been reported in the literature in individuals affected with NOTCH1-related conditions. An algorithm developed to predict the effect of missense changes on protein structure and function (PolyPhen-2) suggests that this variant is likely to be disruptive. In summary, the available evidence is currently insufficient to determine the role of this variant in disease. Therefore, it has been classified as a Variant of Uncertain Significance.

NM_017617.5(NOTCH1):c.5471G>T (p.Arg1824Leu)

Gene: NOTCH1 (notch receptor 1; minus strand). Cytogenetic location: 9q34.3.
Variant type: single nucleotide variant.
Coding change: c.5471G>T on transcript NM_017617.5 (MANE Select); coding-DNA position 5471, G replaced by T.
Protein change: p.Arg1824Leu; replaces arginine 1824 with leucine.
Molecular consequence: missense variant.
Genome position (GRCh38, 1-based): chr9:136,502,002, C>A on the plus strand (G>T on the coding strand, the complement: NOTCH1 is on the minus strand). VCF-style: chr9-136502002-C-A. GRCh37 (hg19) VCF-style: chr9-139396454-C-A.
Other names: short protein forms R1824L.
Identifiers: ClinVar variation 2731052 (VCV002731052.3), dbSNP rs765309913, ClinGen allele CA375639759.